The following is an entry in ClinVar:

ClinVar aggregate classification (germline): Pathogenic (1 of 4 stars; one submission).

Conditions:
Deficiency of 3-hydroxyacyl-CoA dehydrogenase. Also called: HADH DEFICIENCY; 3-hydroxyacyl-CoA dehydrogenase deficiency. Identifiers: Orphanet 309127, Orphanet 71212, MedGen C1291230, MONDO:0017715, OMIM 231530.

Submission:

Labcorp Genetics (formerly Invitae), Labcorp
Classification: Pathogenic for Deficiency of 3-hydroxyacyl-CoA dehydrogenase. Last evaluated: 2025-01-15. Review status: criteria provided, single submitter. Criteria: Invitae Variant Classification Sherloc (09022015). Collection method: clinical testing. Allele origin: germline.
Comment: This sequence change creates a premature translational stop signal (p.Phe259Cysfs*3) in the HADH gene. While this is not anticipated to result in nonsense mediated decay, it is expected to disrupt the last 56 amino acid(s) of the HADH protein. This variant is not present in population databases (gnomAD no frequency). This variant has not been reported in the literature in individuals affected with HADH-related conditions. Experimental studies and prediction algorithms are not available or were not evaluated, and the functional significance of this variant is currently unknown. This variant disrupts a region of the HADH protein in which other variant(s) (p.Gly303Ser) have been determined to be pathogenic (PMID: 22579592; internal data). This suggests that this is a clinically significant region of the protein, and that variants that disrupt it are likely to be disease-causing. For these reasons, this variant has been classified as Pathogenic.

Literature cited by the submitters: PubMed 22579592.

NM_005327.7(HADH):c.776_779del (p.Phe259fs)

Gene: HADH (hydroxyacyl-CoA dehydrogenase; plus strand). Cytogenetic location: 4q25.
Variant type: Deletion.
Coding change: c.776_779del on transcript NM_005327.7 (MANE Select); coding-DNA positions 776 to 779, 4 bases deleted (TTGA; older notation c.776_779delTTGA).
Protein change: p.Phe259fs; shifts the reading frame from phenylalanine 259.
Molecular consequence: frameshift variant.
Genome position (GRCh38, 1-based): chr4:108,033,242-108,033,245, TTGA deleted. VCF-style (leftmost placement, unchanged base first): chr4-108033241-TTTGA-T. GRCh37 (hg19) VCF-style: chr4-108954397-TTTGA-T.
Other names: c.827_830del, p.Phe276fs (NM_001184705.4); c.788_791del, p.Phe263fs (NM_001331027.2); short protein forms F263fs, F259fs, F276fs.
Identifiers: ClinVar variation 3645395 (VCV003645395.2).